The following is an entry in ClinVar:

ClinVar aggregate classification (germline): Uncertain significance (1 of 4 stars; one submission).

Conditions:
Developmental delay, impaired speech, and behavioral abnormalities. Identifiers: MedGen C5561957, MONDO:0859178, OMIM 619475.

Submission:

Neuberg Centre For Genomic Medicine, NCGM
Classification: Uncertain significance for Developmental delay, impaired speech, and behavioral abnormalities. Last evaluated: 2023-07-22. Review status: criteria provided, single submitter. Criteria: ACMG Guidelines, 2015. Collection method: clinical testing. Allele origin: germline. Inheritance: Autosomal dominant inheritance. Affected: yes.
Comment: The observed missense c.1550T>Cp.Leu517Pro variant in SPTBN1 gene has not been reported previously as a pathogenic variant nor a benign variant, to our knowledge. The p.Leu517Pro variant is absent in gnomAD Exomes. This variant has not been submitted to the ClinVar database. Multiple lines of computational evidences Polyphen - Probably damaging, SIFT - Damaging and MutationTaster - Disease causing predict a damaging effect on protein structure and function for this variant. The reference amino acid change at this position on SPTBN1 gene is predicted as conserved by GERP++ and PhyloP across 100 vertebrates. The amino acid Leu at position 517 is changed to a Pro changing protein sequence and it might alter its composition and physico-chemical properties. For these reasons, this variant has been classified as a Variant of Uncertain Significance VUS.

NM_003128.3(SPTBN1):c.1550T>C (p.Leu517Pro)

Gene: SPTBN1 (spectrin beta, non-erythrocytic 1; plus strand). Cytogenetic location: 2p16.2.
Variant type: single nucleotide variant.
Coding change: c.1550T>C on transcript NM_003128.3 (MANE Select); coding-DNA position 1550, T replaced by C.
Protein change: p.Leu517Pro; replaces leucine 517 with proline.
Molecular consequence: missense variant.
Genome position (GRCh38, 1-based): chr2:54,626,140, T>C. VCF-style: chr2-54626140-T-C. GRCh37 (hg19) VCF-style: chr2-54853277-T-C.
Other names: c.1511T>C, p.Leu504Pro (NM_178313.3); short protein forms L504P, L517P.
Identifiers: ClinVar variation 3391253 (VCV003391253.1).